The following is an entry in ClinVar:

NM_003227.4(TFR2):c.1156G>C (p.Gly386Arg)

Gene: TFR2 (transferrin receptor 2; minus strand). Cytogenetic location: 7q22.1.
Variant type: single nucleotide variant.
Coding change: c.1156G>C on transcript NM_003227.4 (MANE Select); coding-DNA position 1156, G replaced by C.
Protein change: p.Gly386Arg; replaces glycine 386 with arginine.
Molecular consequence: missense variant.
Genome position (GRCh38, 1-based): chr7:100,631,003, C>G on the plus strand (G>C on the coding strand, the complement: TFR2 is on the minus strand). VCF-style: chr7-100631003-C-G. GRCh37 (hg19) VCF-style: chr7-100228626-C-G.
Other names: c.643G>C, p.Gly215Arg (NM_001206855.3); short protein forms G386R, G215R.
Identifiers: ClinVar variation 4738780 (VCV004738780.1).

ClinVar aggregate classification (germline): Uncertain significance (1 of 4 stars; one submission).

Conditions:
Hereditary hemochromatosis (HFE). Identifiers: MedGen C0392514, MONDO:0006507. Disease mechanism: loss of function.

Submission:

Labcorp Genetics (formerly Invitae), Labcorp
Classification: Uncertain significance for Hereditary hemochromatosis. Last evaluated: 2025-04-24. Review status: criteria provided, single submitter. Criteria: Invitae Variant Classification Sherloc (09022015). Collection method: clinical testing. Allele origin: germline.
Comment: This sequence change replaces glycine, which is neutral and non-polar, with arginine, which is basic and polar, at codon 386 of the TFR2 protein (p.Gly386Arg). This variant is not present in population databases (gnomAD no frequency). This variant has not been reported in the literature in individuals affected with TFR2-related conditions. Invitae Evidence Modeling of protein sequence and biophysical properties (such as structural, functional, and spatial information, amino acid conservation, physicochemical variation, residue mobility, and thermodynamic stability) indicates that this missense variant is not expected to disrupt TFR2 protein function with a negative predictive value of 95%. In summary, the available evidence is currently insufficient to determine the role of this variant in disease. Therefore, it has been classified as a Variant of Uncertain Significance.